The following is an entry in ClinVar:

ClinVar aggregate classification (germline): Uncertain significance (1 of 4 stars; one submission).

Conditions:
Inborn genetic diseases. Identifiers: MedGen C0950123, MeSH D030342.

gnomAD v4.1: 3 of 1,613,526 alleles (0.00019%); highest among the groups gnomAD compares: East Asian, 0.0045%; no homozygotes.

Submission:

Ambry Genetics
Classification: Uncertain significance for Inborn genetic diseases. Last evaluated: 2026-03-23. Review status: criteria provided, single submitter. Criteria: Ambry Variant Classification Scheme 2023. Collection method: clinical testing. Allele origin: germline.
Comment: The p.P866S variant (also known as c.2596C>T), located in coding exon 21 of the KDM1A gene, results from a C to T substitution at nucleotide position 2596. The proline at codon 866 is replaced by serine, an amino acid with similar properties. This amino acid position is conserved. In addition, this alteration is predicted to be tolerated by in silico analysis. Based on the available evidence, the clinical significance of this variant remains unclear.

NM_001009999.3(KDM1A):c.2596C>T (p.Pro866Ser)

Gene: KDM1A (lysine demethylase 1A; plus strand). Cytogenetic location: 1p36.12.
Variant type: single nucleotide variant.
Coding change: c.2596C>T on transcript NM_001009999.3 (MANE Select); coding-DNA position 2596, C replaced by T.
Protein change: p.Pro866Ser; replaces proline 866 with serine.
Molecular consequence: missense variant. On other transcripts: 3 prime UTR variant (1).
Genome position (GRCh38, 1-based): chr1:23,083,329, C>T. VCF-style: chr1-23083329-C-T. GRCh37 (hg19) VCF-style: chr1-23409822-C-T.
Other names: c.2542C>T, p.Pro848Ser (NM_001363654.2); c.2602C>T, p.Pro868Ser (NM_001410762.1); c.*844C>T (NM_001410763.1); c.2524C>T, p.Pro842Ser (NM_015013.4); short protein forms P842S, P848S, P866S, P868S.
Identifiers: ClinVar variation 4858693 (VCV004858693.1).